The following is an entry in ClinVar:

NM_015102.5(NPHP4):c.2725G>T (p.Asp909Tyr)

Gene: NPHP4 (nephrocystin 4; minus strand). Cytogenetic location: 1p36.31.
Variant type: single nucleotide variant.
Coding change: c.2725G>T on transcript NM_015102.5 (MANE Select); coding-DNA position 2725, G replaced by T.
Protein change: p.Asp909Tyr; replaces aspartic acid 909 with tyrosine.
Molecular consequence: missense variant. On other transcripts: non-coding transcript variant (1).
Genome position (GRCh38, 1-based): chr1:5,877,185, C>A on the plus strand (G>T on the coding strand, the complement: NPHP4 is on the minus strand). VCF-style: chr1-5877185-C-A. GRCh37 (hg19) VCF-style: chr1-5937245-C-A.
Other names: c.1186G>T, p.Asp396Tyr (NM_001291593.2); c.1189G>T, p.Asp397Tyr (NM_001291594.2); short protein forms D396Y, D909Y, D397Y.
Identifiers: ClinVar variation 1434245 (VCV001434245.6), dbSNP rs777493291, ClinGen allele CA553955.

ClinVar aggregate classification (germline): Uncertain significance (1 of 4 stars; one submission).

Conditions:
Nephronophthisis. Also called: Juvenile Nephronophthisis. Identifiers: Orphanet 655, MedGen C0687120, MONDO:0019005, HP:0000090.

Allele frequency attached by ClinVar (database versions not stated): gnomAD exomes below 0.00001 and 0.00001; ExAC 0.00001; gnomAD 0.00001; TOPMed 0.00001.
gnomAD v4.1: 11 of 1,603,696 alleles (0.00069%); highest among the groups gnomAD compares: Non-Finnish European, 0.00094%; no homozygotes.

Submission:

Labcorp Genetics (formerly Invitae), Labcorp
Classification: Uncertain significance for Nephronophthisis. Last evaluated: 2022-07-19. Review status: criteria provided, single submitter. Criteria: Invitae Variant Classification Sherloc (09022015). Collection method: clinical testing. Allele origin: germline.
Comment: This sequence change replaces aspartic acid, which is acidic and polar, with tyrosine, which is neutral and polar, at codon 909 of the NPHP4 protein (p.Asp909Tyr). In summary, the available evidence is currently insufficient to determine the role of this variant in disease. Therefore, it has been classified as a Variant of Uncertain Significance. Algorithms developed to predict the effect of sequence changes on RNA splicing suggest that this variant may create or strengthen a splice site. Algorithms developed to predict the effect of missense changes on protein structure and function are either unavailable or do not agree on the potential impact of this missense change (SIFT: "Tolerated"; PolyPhen-2: "Probably Damaging"; Align-GVGD: "Class C0"). ClinVar contains an entry for this variant (Variation ID: 1434245). This variant has not been reported in the literature in individuals affected with NPHP4-related conditions. The frequency data for this variant in the population databases is considered unreliable, as metrics indicate poor data quality at this position in the gnomAD database.